The following is an entry in ClinVar:

NM_003060.4(SLC22A5):c.1533G>C (p.Glu511Asp)

Gene: SLC22A5 (solute carrier family 22 member 5; plus strand). Cytogenetic location: 5q31.1.
Variant type: single nucleotide variant.
Coding change: c.1533G>C on transcript NM_003060.4 (MANE Select); coding-DNA position 1533, G replaced by C.
Protein change: p.Glu511Asp; replaces glutamic acid 511 with aspartic acid.
Molecular consequence: missense variant.
Genome position (GRCh38, 1-based): chr5:132,393,758, G>C. VCF-style: chr5-132393758-G-C. GRCh37 (hg19) VCF-style: chr5-131729450-G-C.
Other names: p.Glu511Asp; c.1605G>C, p.Glu535Asp (NM_001308122.2); short protein forms E511D, E535D.
Identifiers: ClinVar variation 1493561 (VCV001493561.6), dbSNP rs748111365, ClinGen allele CA3404187.

ClinVar aggregate classification (germline): Uncertain significance. Review status: criteria provided, multiple submitters, no conflicts (2 of 4 stars). 2 submissions from 2 submitters: Uncertain significance (2). Last evaluated 2024-01-16.

Conditions:
Renal carnitine transport defect (CDSP). Also called: Carnitine transporter deficiency; Primary carnitine deficiency; Systemic primary carnitine deficiency; CARNITINE DEFICIENCY, SYSTEMIC, DUE TO DEFECT IN RENAL REABSORPTION OF CARNITINE; CARNITINE TRANSPORTER, PLASMA-MEMBRANE, DEFICIENCY OF; CARNITINE UPTAKE DEFECT. Identifiers: Orphanet 158, MedGen C0342788, MONDO:0008919, OMIM 212140.

Allele frequency attached by ClinVar (database versions not stated): gnomAD 0.00002; ExAC 0.00004.

Submissions (2):

Labcorp Genetics (formerly Invitae), Labcorp
Classification: Uncertain significance for Renal carnitine transport defect. Last evaluated: 2024-01-16. Review status: criteria provided, single submitter. Criteria: Invitae Variant Classification Sherloc (09022015). Collection method: clinical testing. Allele origin: germline.
Comment: This sequence change replaces glutamic acid, which is acidic and polar, with aspartic acid, which is acidic and polar, at codon 511 of the SLC22A5 protein (p.Glu511Asp). This variant is present in population databases (rs748111365, gnomAD 0.006%). This variant has not been reported in the literature in individuals affected with SLC22A5-related conditions. ClinVar contains an entry for this variant (Variation ID: 1493561). Advanced modeling of protein sequence and biophysical properties (such as structural, functional, and spatial information, amino acid conservation, physicochemical variation, residue mobility, and thermodynamic stability) performed at Invitae indicates that this missense variant is expected to disrupt SLC22A5 protein function with a positive predictive value of 95%. In summary, the available evidence is currently insufficient to determine the role of this variant in disease. Therefore, it has been classified as a Variant of Uncertain Significance.

Giacomini Lab, University of California, San Francisco
Classification: Uncertain significance for Renal carnitine transport defect. Last evaluated: 2022-10-03. Review status: criteria provided, single submitter. Criteria: ACMG Guidelines, 2015. Collection method: research, in vitro. Allele origin: germline, not applicable.